The following is an entry in ClinVar:

ClinVar aggregate classification (germline): Uncertain significance. Review status: criteria provided, multiple submitters, no conflicts (2 of 4 stars). 2 submissions from 2 submitters: Uncertain significance (2). Last evaluated 2025-07-24.

Conditions:
Cardiovascular phenotype. Identifiers: MedGen CN230736.
Dilated cardiomyopathy 1W (CMD1W). Identifiers: Orphanet 154, MedGen C1969639, MONDO:0012667, OMIM 611407.

Submissions (2):

Ambry Genetics
Classification: Uncertain significance for Cardiovascular phenotype. Last evaluated: 2025-07-24. Review status: criteria provided, single submitter. Criteria: Ambry Variant Classification Scheme 2023. Collection method: clinical testing. Allele origin: germline.
Comment: The p.G924V variant (also known as c.2771G>T), located in coding exon 19 of the VCL gene, results from a G to T substitution at nucleotide position 2771. The glycine at codon 924 is replaced by valine, an amino acid with dissimilar properties. This amino acid position is conserved. In addition, this alteration is predicted to be tolerated by in silico analysis. Based on the available evidence, the clinical significance of this variant remains unclear.

Labcorp Genetics (formerly Invitae), Labcorp
Classification: Uncertain significance for Dilated cardiomyopathy 1W. Last evaluated: 2024-04-02. Review status: criteria provided, single submitter. Criteria: Invitae Variant Classification Sherloc (09022015). Collection method: clinical testing. Allele origin: germline.
Comment: This sequence change replaces glycine, which is neutral and non-polar, with valine, which is neutral and non-polar, at codon 924 of the VCL protein (p.Gly924Val). This variant is not present in population databases (gnomAD no frequency). This variant has not been reported in the literature in individuals affected with VCL-related conditions. An algorithm developed to predict the effect of missense changes on protein structure and function (PolyPhen-2) suggests that this variant is likely to be tolerated. In summary, the available evidence is currently insufficient to determine the role of this variant in disease. Therefore, it has been classified as a Variant of Uncertain Significance.

NM_014000.3(VCL):c.2771G>T (p.Gly924Val)

Gene: VCL (vinculin; plus strand). Cytogenetic location: 10q22.2.
Variant type: single nucleotide variant.
Coding change: c.2771G>T on transcript NM_014000.3 (MANE Select); coding-DNA position 2771, G replaced by T.
Protein change: p.Gly924Val; replaces glycine 924 with valine.
Molecular consequence: missense variant. On other transcripts: intron variant (1).
Genome position (GRCh38, 1-based): chr10:74,111,934, G>T. VCF-style: chr10-74111934-G-T. GRCh37 (hg19) VCF-style: chr10-75871692-G-T.
Other names: c.2746-2250G>T (NM_003373.4); short protein forms G924V.
Identifiers: ClinVar variation 3673230 (VCV003673230.3).